The following is an entry in ClinVar:

NM_058216.3(RAD51C):c.662C>T (p.Ala221Val)

Genes: RAD51C (RAD51 paralog C; plus strand), LOC129390903 (MPRA-validated peak2919 silencer; plus strand). Cytogenetic location: 17q22.
Variant type: single nucleotide variant.
Coding change: c.662C>T on transcript NM_058216.3 (MANE Select); coding-DNA position 662, C replaced by T.
Protein change: p.Ala221Val; replaces alanine 221 with valine.
Molecular consequence: missense variant. On other transcripts: non-coding transcript variant (1).
Genome position (GRCh38, 1-based): chr17:58,703,286, C>T. VCF-style: chr17-58703286-C-T. GRCh37 (hg19) VCF-style: chr17-56780647-C-T.
Other names: c.*90C>T (NM_058217.1); short protein forms A221V.
Identifiers: ClinVar variation 1754562 (VCV001754562.4), dbSNP rs2143800278, ClinGen allele CA400349797.

ClinVar aggregate classification (germline): Uncertain significance. Review status: criteria provided, multiple submitters, no conflicts (2 of 4 stars). 2 submissions from 2 submitters: Uncertain significance (2). Last evaluated 2024-03-06.

Conditions:
Hereditary cancer-predisposing syndrome. Also called: Neoplastic Syndromes, Hereditary; Tumor predisposition; Hereditary Cancer Syndrome; Hereditary neoplastic syndrome. Identifiers: Orphanet 140162, MedGen C0027672, MeSH D009386, MONDO:0015356.

Allele frequency attached by ClinVar (database versions not stated): gnomAD exomes below 0.00001.

Submissions (2):

Color Diagnostics, LLC DBA Color Health
Classification: Uncertain significance for Hereditary cancer-predisposing syndrome. Last evaluated: 2024-03-06. Review status: criteria provided, single submitter. Criteria: ACMG Guidelines, 2015. Collection method: clinical testing. Allele origin: germline.
Comment: This missense variant replaces alanine with valine at codon 221 of the RAD51C protein. Computational prediction suggests that this variant may not impact protein structure and function (internally defined REVEL score threshold <= 0.5, PMID: 27666373). To our knowledge, functional studies have not been reported for this variant. This variant has not been reported in individuals affected with hereditary cancer in the literature. This variant has not been identified in the general population by the Genome Aggregation Database (gnomAD). The available evidence is insufficient to determine the role of this variant in disease conclusively. Therefore, this variant is classified as a Variant of Uncertain Significance.

Ambry Genetics
Classification: Uncertain significance for Hereditary cancer-predisposing syndrome. Last evaluated: 2021-01-19. Review status: criteria provided, single submitter. Criteria: Ambry Variant Classification Scheme 2023. Collection method: clinical testing. Allele origin: germline.
Comment: The p.A221V variant (also known as c.662C>T), located in coding exon 4 of the RAD51C gene, results from a C to T substitution at nucleotide position 662. The alanine at codon 221 is replaced by valine, an amino acid with similar properties. This amino acid position is highly conserved in available vertebrate species. In addition, the in silico prediction for this alteration is inconclusive. Since supporting evidence is limited at this time, the clinical significance of this alteration remains unclear.